The following is an entry in ClinVar:

ClinVar aggregate classification (germline): Uncertain significance (1 of 4 stars; one submission).

Allele frequency attached by ClinVar (database versions not stated): gnomAD 0.00001; gnomAD exomes 0.00001; TOPMed 0.00002.
gnomAD v4.1: 21 of 1,613,958 alleles (0.0013%); highest among the groups gnomAD compares: Admixed American, 0.0083%; no homozygotes.

Submission:

Labcorp Genetics (formerly Invitae), Labcorp
Classification: Uncertain significance. Last evaluated: 2022-04-25. Review status: criteria provided, single submitter. Criteria: Invitae Variant Classification Sherloc (09022015). Collection method: clinical testing. Allele origin: germline.
Comment: This sequence change replaces glutamic acid, which is acidic and polar, with lysine, which is basic and polar, at codon 337 of the CTDP1 protein (p.Glu337Lys). This variant is present in population databases (no rsID available, gnomAD 0.003%). This variant has not been reported in the literature in individuals affected with CTDP1-related conditions. Algorithms developed to predict the effect of missense changes on protein structure and function are either unavailable or do not agree on the potential impact of this missense change (SIFT: "Tolerated"; PolyPhen-2: "Possibly Damaging"; Align-GVGD: "Class C0"). In summary, the available evidence is currently insufficient to determine the role of this variant in disease. Therefore, it has been classified as a Variant of Uncertain Significance.

NM_004715.5(CTDP1):c.1009G>A (p.Glu337Lys)

Gene: CTDP1 (CTD phosphatase subunit 1; plus strand). Cytogenetic location: 18q23.
Variant type: single nucleotide variant.
Coding change: c.1009G>A on transcript NM_004715.5 (MANE Select); coding-DNA position 1009, G replaced by A.
Protein change: p.Glu337Lys; replaces glutamic acid 337 with lysine.
Molecular consequence: missense variant.
Genome position (GRCh38, 1-based): chr18:79,713,117, G>A. VCF-style: chr18-79713117-G-A. GRCh37 (hg19) VCF-style: chr18-77473117-G-A.
Other names: c.652G>A, p.Glu218Lys (NM_001202504.1); c.1009G>A, p.Glu337Lys (NM_001318511.2, NM_048368.4); short protein forms E337K, E218K.
Identifiers: ClinVar variation 1978064 (VCV001978064.5), dbSNP rs1205031435, ClinGen allele CA402830241.